The following is an entry in ClinVar:

NM_002010.3(FGF9):c.*208G>A

Gene: FGF9 (fibroblast growth factor 9; plus strand). Cytogenetic location: 13q12.11.
Variant type: single nucleotide variant.
Coding change: c.*208G>A on transcript NM_002010.3 (MANE Select); 208 bases downstream of the stop codon, G replaced by A.
Molecular consequence: 3 prime UTR variant.
Genome position (GRCh38, 1-based): chr13:21,701,643, G>A. VCF-style: chr13-21701643-G-A. GRCh37 (hg19) VCF-style: chr13-22275782-G-A.
Identifiers: ClinVar variation 311429 (VCV000311429.6), dbSNP rs552081915, ClinGen allele CA10643029.

ClinVar aggregate classification (germline): Benign. Review status: criteria provided, multiple submitters, no conflicts (2 of 4 stars). 2 submissions from 2 submitters: Benign (2). Last evaluated 2018-01-13.

Conditions:
Multiple synostoses syndrome 3 (SYNS3). Identifiers: Orphanet 3237, MedGen C2751826, MONDO:0013064, OMIM 612961.

Allele frequency attached by ClinVar (database versions not stated): 1000 Genomes Project 30x 0.00406; gnomAD 0.00050 and 0.00115; TOPMed 0.00061; 1000 Genomes Project 0.00319.

Submissions (2):

Illumina Laboratory Services, Illumina
Classification: Benign for Multiple synostoses syndrome 3. Last evaluated: 2018-01-13. Review status: criteria provided, single submitter. Criteria: ICSL Variant Classification Criteria 13 December 2019. Collection method: clinical testing. Allele origin: germline.
Comment: This variant was observed in the ICSL laboratory as part of a predisposition screen in an ostensibly healthy population. It had not been previously curated by ICSL or reported in the Human Gene Mutation Database (HGMD: prior to June 1st, 2018), and was therefore a candidate for classification through an automated scoring system. Utilizing variant allele frequency, disease prevalence and penetrance estimates, and inheritance mode, an automated score was calculated to assess if this variant is too frequent to cause the disease. Based on the score and internal cut-off values, a variant classified as benign is not then subjected to further curation. The score for this variant resulted in a classification of benign for this disease.

Breakthrough Genomics
Classification: Benign. Review status: criteria provided, single submitter. Criteria: ACMG Guidelines, 2015. Collection method: not provided. Allele origin: germline. Inheritance: Autosomal dominant inheritance. Affected: yes.